The following is an entry in ClinVar:

ClinVar aggregate classification (germline): Conflicting classifications of pathogenicity. Review status: criteria provided, conflicting classifications (1 of 4 stars). 3 submissions from 3 submitters: Likely pathogenic (1); Uncertain significance (2). Last evaluated 2025-02-13.

Conditions:
MYH9-related disorder. Identifiers: MedGen C1854520.
Macrothrombocytopenia and granulocyte inclusions with or without nephritis or sensorineural hearing loss (MATINS). Also called: MYH9-Related Disease (MYH9-RD); DOHLE LEUKOCYTE INCLUSIONS WITH GIANT PLATELETS; MACROTHROMBOCYTOPENIA WITH LEUKOCYTE INCLUSIONS; BLEEDING DISORDER, PLATELET-TYPE, 6; MAY-HEGGLIN ANOMALY; SEBASTIAN PLATELET SYNDROME. Identifiers: Orphanet 182050, MedGen C5200934, MONDO:0015912, OMIM 155100.

Allele frequency attached by ClinVar (database versions not stated): gnomAD 0.00001; gnomAD exomes 0.00001; TOPMed 0.00002.
gnomAD v4.1: 13 of 1,614,020 alleles (0.00081%); highest among the groups gnomAD compares: African/African-American, 0.0053%; no homozygotes.

Submissions (3):

Labcorp Genetics (formerly Invitae), Labcorp
Classification: Uncertain significance. Last evaluated: 2025-02-13. Review status: criteria provided, single submitter. Criteria: Invitae Variant Classification Sherloc (09022015). Collection method: clinical testing. Allele origin: germline.
Comment: This sequence change replaces arginine, which is basic and polar, with cysteine, which is neutral and slightly polar, at codon 301 of the MYH9 protein (p.Arg301Cys). This variant is not present in population databases (gnomAD no frequency). This variant has not been reported in the literature in individuals affected with MYH9-related conditions. ClinVar contains an entry for this variant (Variation ID: 1028019). Invitae Evidence Modeling of protein sequence and biophysical properties (such as structural, functional, and spatial information, amino acid conservation, physicochemical variation, residue mobility, and thermodynamic stability) indicates that this missense variant is not expected to disrupt MYH9 protein function with a negative predictive value of 95%. In summary, the available evidence is currently insufficient to determine the role of this variant in disease. Therefore, it has been classified as a Variant of Uncertain Significance.

Blueprint Genetics
Classification: Likely pathogenic for MYH9-related disorders. Last evaluated: 2022-01-26. Review status: criteria provided, single submitter. Criteria: ACMG Guidelines, 2015. Collection method: clinical testing. Allele origin: germline. Affected: yes. Observed: 1 variant allele.

Baylor Genetics
Classification: Uncertain significance for Macrothrombocytopenia and granulocyte inclusions with or without nephritis or sensorineural hearing loss. Last evaluated: 2019-11-21. Review status: criteria provided, single submitter. Criteria: ACMG Guidelines, 2015. Collection method: clinical testing. Allele origin: de novo. Affected: yes.
Comment: This variant was determined to be of uncertain significance according to ACMG Guidelines, 2015 [PMID:25741868].

NM_002473.6(MYH9):c.901C>T (p.Arg301Cys)

Gene: MYH9 (myosin heavy chain 9; minus strand). Cytogenetic location: 22q12.3.
Variant type: single nucleotide variant.
Coding change: c.901C>T on transcript NM_002473.6 (MANE Select); coding-DNA position 901, C replaced by T.
Protein change: p.Arg301Cys; replaces arginine 301 with cysteine.
Molecular consequence: missense variant.
Genome position (GRCh38, 1-based): chr22:36,320,331, G>A on the plus strand (C>T on the coding strand, the complement: MYH9 is on the minus strand). VCF-style: chr22-36320331-G-A. GRCh37 (hg19) VCF-style: chr22-36716376-G-A.
Other names: short protein forms R301C.
Identifiers: ClinVar variation 1028019 (VCV001028019.3), dbSNP rs2017230295, ClinGen allele CA411405270.